The following is an entry in ClinVar:

NM_024577.4(SH3TC2):c.739C>G (p.Leu247Val)

Gene: SH3TC2 (SH3 domain and tetratricopeptide repeats 2; minus strand). Cytogenetic location: 5q32.
Variant type: single nucleotide variant.
Coding change: c.739C>G on transcript NM_024577.4 (MANE Select); coding-DNA position 739, C replaced by G.
Protein change: p.Leu247Val; replaces leucine 247 with valine.
Molecular consequence: missense variant.
Genome position (GRCh38, 1-based): chr5:149,040,670, G>C on the plus strand (C>G on the coding strand, the complement: SH3TC2 is on the minus strand). VCF-style: chr5-149040670-G-C. GRCh37 (hg19) VCF-style: chr5-148420233-G-C.
Other names: short protein forms L247V.
Identifiers: ClinVar variation 1373400 (VCV001373400.7), dbSNP rs772820273, ClinGen allele CA3499406.

ClinVar aggregate classification (germline): Uncertain significance (1 of 4 stars; one submission).

Conditions:
Charcot-Marie-Tooth disease type 4. Also called: Charcot-Marie-Tooth disease, type IV; Charcot-Marie-Tooth, Type 4. Identifiers: Orphanet 64749, MedGen C4082197, MONDO:0018995.

Allele frequency attached by ClinVar (database versions not stated): gnomAD 0.00001; gnomAD exomes below 0.00001; ExAC 0.00001.
gnomAD v4.1: 12 of 1,613,896 alleles (0.00074%); highest among the groups gnomAD compares: African/African-American, 0.0013%; no homozygotes.

Submission:

Labcorp Genetics (formerly Invitae), Labcorp
Classification: Uncertain significance for Charcot-Marie-Tooth disease type 4. Last evaluated: 2021-02-17. Review status: criteria provided, single submitter. Criteria: Invitae Variant Classification Sherloc (09022015). Collection method: clinical testing. Allele origin: germline.
Comment: In summary, the available evidence is currently insufficient to determine the role of this variant in disease. Therefore, it has been classified as a Variant of Uncertain Significance. Advanced modeling of protein sequence and biophysical properties (such as structural, functional, and spatial information, amino acid conservation, physicochemical variation, residue mobility, and thermodynamic stability) performed at Invitae indicates that this missense variant is not expected to disrupt SH3TC2 protein function. This variant has not been reported in the literature in individuals with SH3TC2-related conditions. This variant is present in population databases (rs772820273, ExAC 0.002%). This sequence change replaces leucine with valine at codon 247 of the SH3TC2 protein (p.Leu247Val). The leucine residue is highly conserved and there is a small physicochemical difference between leucine and valine.